The following is an entry in ClinVar:

ClinVar aggregate classification (germline): Likely benign (1 of 4 stars; one submission).

Allele frequency attached by ClinVar (database versions not stated): gnomAD 0.01958 and 0.01969; 1000 Genomes Project 0.02416; 1000 Genomes Project 30x 0.02436; TOPMed 0.02608.
gnomAD v4.1: 2,993 of 152,312 alleles (2%); highest among the groups gnomAD compares: Admixed American, 13%; 166 homozygotes.

Submission:

GeneDx
Classification: Likely benign. Last evaluated: 2018-06-16. Review status: criteria provided, single submitter. Criteria: GeneDx Variant Classification (06012015). Collection method: clinical testing. Allele origin: germline. Affected: yes.
Comment: This variant is considered likely benign or benign based on one or more of the following criteria: it is a conservative change, it occurs at a poorly conserved position in the protein, it is predicted to be benign by multiple in silico algorithms, and/or has population frequency not consistent with disease.

NM_001267550.2(TTN):c.14936-220T>G

Gene: TTN (titin; minus strand). Cytogenetic location: 2q31.2.
Variant type: single nucleotide variant.
Coding change: c.14936-220T>G on transcript NM_001267550.2 (MANE Select); 220 bases into the intron before coding-DNA position 14936, T replaced by G.
Molecular consequence: intron variant.
Genome position (GRCh38, 1-based): chr2:178,735,208, A>C on the plus strand (T>G on the coding strand, the complement: TTN is on the minus strand). VCF-style: chr2-178735208-A-C. GRCh37 (hg19) VCF-style: chr2-179599935-A-C.
Other names: c.13282+2874T>G (NM_003319.4); c.13858+2874T>G (NM_133437.4); c.13657+2874T>G (NM_133432.3); c.11204-220T>G (NM_133378.4); c.13985-220T>G (NM_001256850.1).
Identifiers: ClinVar variation 672566 (VCV000672566.1), dbSNP rs4894035, ClinGen allele CA60981665.